The following is an entry in ClinVar:

NM_002734.5(PRKAR1A):c.563A>G (p.Asn188Ser)

Gene: PRKAR1A (protein kinase cAMP-dependent type I regulatory subunit alpha; plus strand). Cytogenetic location: 17q24.2.
Variant type: single nucleotide variant.
Coding change: c.563A>G on transcript NM_002734.5 (MANE Select); coding-DNA position 563, A replaced by G.
Protein change: p.Asn188Ser; replaces asparagine 188 with serine.
Molecular consequence: missense variant.
Genome position (GRCh38, 1-based): chr17:68,525,767, A>G. VCF-style: chr17-68525767-A-G. GRCh37 (hg19) VCF-style: chr17-66521908-A-G.
Other names: c.563A>G, p.Asn188Ser (NM_001369389.1, NM_001369390.1, NM_212471.3 and 4 more transcripts); short protein forms N188S.
Identifiers: ClinVar variation 1471864 (VCV001471864.9), dbSNP rs2143321644, ClinGen allele CA400753078.

ClinVar aggregate classification (germline): Conflicting classifications of pathogenicity. Review status: criteria provided, conflicting classifications (1 of 4 stars). 2 submissions from 2 submitters: Uncertain significance (1); Likely benign (1). Last evaluated 2024-08-09.

Conditions:
Hereditary cancer-predisposing syndrome. Also called: Neoplastic Syndromes, Hereditary; Hereditary Cancer Syndrome; Tumor predisposition; Hereditary neoplastic syndrome. Identifiers: Orphanet 140162, MedGen C0027672, MeSH D009386, MONDO:0015356.
Carney complex, type 1 (CNC1). Also called: CARNEY COMPLEX, TYPE I; CARNEY MYXOMA-ENDOCRINE COMPLEX. Identifiers: Orphanet 1359, MedGen C2607929, MONDO:0008057, OMIM 160980.

Allele frequency attached by ClinVar (database versions not stated): gnomAD exomes below 0.00001.

Submissions (2):

Ambry Genetics
Classification: Likely benign for Hereditary cancer-predisposing syndrome. Last evaluated: 2024-08-09. Review status: criteria provided, single submitter. Criteria: Ambry Variant Classification Scheme 2023. Collection method: clinical testing. Allele origin: germline.

Labcorp Genetics (formerly Invitae), Labcorp
Classification: Uncertain significance for Carney complex, type 1. Last evaluated: 2021-08-09. Review status: criteria provided, single submitter. Criteria: Invitae Variant Classification Sherloc (09022015). Collection method: clinical testing. Allele origin: germline.
Comment: In summary, the available evidence is currently insufficient to determine the role of this variant in disease. Therefore, it has been classified as a Variant of Uncertain Significance. Algorithms developed to predict the effect of missense changes on protein structure and function output the following: SIFT: "Tolerated"; PolyPhen-2: "Benign"; Align-GVGD: "Class C0". The serine amino acid residue is found in multiple mammalian species, which suggests that this missense change does not adversely affect protein function. This variant has not been reported in the literature in individuals affected with PRKAR1A-related conditions. This variant is not present in population databases (ExAC no frequency). This sequence change replaces asparagine with serine at codon 188 of the PRKAR1A protein (p.Asn188Ser). The asparagine residue is moderately conserved and there is a small physicochemical difference between asparagine and serine.